The following is an entry in ClinVar:

NM_000642.3(AGL):c.1700_1701del (p.Phe567fs)

Gene: AGL (amylo-alpha-1,6-glucosidase and 4-alpha-glucanotransferase; plus strand). Cytogenetic location: 1p21.2.
Variant type: Deletion.
Coding change: c.1700_1701del on transcript NM_000642.3 (MANE Select); coding-DNA positions 1700 to 1701, 2 bases deleted (TT; older notation c.1700_1701delTT).
Protein change: p.Phe567fs; shifts the reading frame from phenylalanine 567.
Molecular consequence: frameshift variant.
Genome position (GRCh38, 1-based): chr1:99,880,011-99,880,012, TT deleted; deleting any 2 consecutive bases within chr1:99,880,010-99,880,012 gives the same sequence; the c. name uses the placement nearest the transcript's 3' end. VCF-style (leftmost placement, unchanged base first): chr1-99880009-CTT-C. GRCh37 (hg19) VCF-style: chr1-100345565-CTT-C.
Other names: c.1700_1701delTT, p.Phe567Cysfs (NM_000028.3, NM_000643.3, NM_000644.3 and 2 more transcripts); c.1652_1653delTT, p.Phe551Cysfs (NM_000646.3); c.1499_1500delTT, p.Phe500Cysfs (NM_001425327.1); c.1496_1497delTT, p.Phe499Cysfs (NM_001425328.1, NM_001425329.1); c.1322_1323delTT, p.Phe441Cysfs (NM_001425332.1); short protein forms F551fs, F567fs.
Identifiers: ClinVar variation 2694167 (VCV002694167.3), dbSNP rs2524636797, ClinGen allele CA2646734565.

ClinVar aggregate classification (germline): Pathogenic (1 of 4 stars; one submission).

Conditions:
Glycogen storage disease type III (GSD3). Also called: Cori disease; FORBES DISEASE. Identifiers: Orphanet 366, MedGen C0017922, MONDO:0009291, OMIM 232400.

Submission:

Labcorp Genetics (formerly Invitae), Labcorp
Classification: Pathogenic for Glycogen storage disease type III. Last evaluated: 2023-11-07. Review status: criteria provided, single submitter. Criteria: Invitae Variant Classification Sherloc (09022015). Collection method: clinical testing. Allele origin: germline.
Comment: This sequence change creates a premature translational stop signal (p.Phe567Cysfs*3) in the AGL gene. It is expected to result in an absent or disrupted protein product. Loss-of-function variants in AGL are known to be pathogenic (PMID: 19299494). This variant is not present in population databases (gnomAD no frequency). This variant has not been reported in the literature in individuals affected with AGL-related conditions. Algorithms developed to predict the effect of sequence changes on RNA splicing suggest that this variant may disrupt the consensus splice site. For these reasons, this variant has been classified as Pathogenic.

Literature cited by the submitters: PubMed 19299494.